The following is an entry in ClinVar:

NM_000719.7(CACNA1C):c.3347G>A (p.Gly1116Glu)

Gene: CACNA1C (calcium voltage-gated channel subunit alpha1 C; plus strand). Cytogenetic location: 12p13.33.
Variant type: single nucleotide variant.
Coding change: c.3347G>A on transcript NM_000719.7 (MANE Select); coding-DNA position 3347, G replaced by A.
Protein change: p.Gly1116Glu; replaces glycine 1116 with glutamic acid.
Molecular consequence: missense variant.
Genome position (GRCh38, 1-based): chr12:2,607,121, G>A. VCF-style: chr12-2607121-G-A. GRCh37 (hg19) VCF-style: chr12-2716287-G-A.
Other names: c.3347G>A, p.Gly1116Glu (NM_001129834.2, NM_001129835.2, NM_001129836.2 and 15 more transcripts); c.3338G>A, p.Gly1113Glu (NM_001129844.2); c.3407G>A, p.Gly1136Glu (NM_199460.4, NM_001129832.2, NM_001129827.2); short protein forms G1113E, G1136E, G1116E.
Identifiers: ClinVar variation 3707543 (VCV003707543.2).

ClinVar aggregate classification (germline): Uncertain significance (1 of 4 stars; one submission).

Conditions:
Long QT syndrome (LQTS). Identifiers: MedGen C0023976, MeSH D008133, MONDO:0002442. Disease mechanism: loss of function. Inheritance: Various modes of inheritance.

gnomAD v4.1: 1 of 1,612,094 alleles (0.000062%); highest among the groups gnomAD compares: Non-Finnish European, 0.000085%; no homozygotes.

Submission:

Labcorp Genetics (formerly Invitae), Labcorp
Classification: Uncertain significance for Long QT syndrome. Last evaluated: 2024-03-08. Review status: criteria provided, single submitter. Criteria: Invitae Variant Classification Sherloc (09022015). Collection method: clinical testing. Allele origin: germline.
Comment: This sequence change replaces glycine, which is neutral and non-polar, with glutamic acid, which is acidic and polar, at codon 1116 of the CACNA1C protein (p.Gly1116Glu). This variant is present in population databases (no rsID available, gnomAD 0.007%). This variant has not been reported in the literature in individuals affected with CACNA1C-related conditions. Advanced modeling of protein sequence and biophysical properties (such as structural, functional, and spatial information, amino acid conservation, physicochemical variation, residue mobility, and thermodynamic stability) performed at Invitae indicates that this missense variant is expected to disrupt CACNA1C protein function with a positive predictive value of 95%. In summary, the available evidence is currently insufficient to determine the role of this variant in disease. Therefore, it has been classified as a Variant of Uncertain Significance.